The following is an entry in ClinVar:

NC_000009.12:g.35658023CCTCAGCTTCACAGAGT[3]

Gene: RMRP (RNA component of mitochondrial RNA processing endoribonuclease; minus strand). Cytogenetic location: 9p13.3.
Variant type: Microsatellite.
Genome position: GRCh38, VCF-style position (the base before the change): chr9:35,658,020. GRCh37 (hg19), VCF-style position (the base before the change): chr9:35,658,017.
Identifiers: ClinVar variation 1696063 (VCV001696063.5), dbSNP rs727502778, ClinGen allele CA2580616181.

ClinVar aggregate classification (germline): Pathogenic/Likely pathogenic. Review status: criteria provided, multiple submitters, no conflicts (2 of 4 stars). 2 submissions from 2 submitters: Pathogenic (1); Likely pathogenic (1). Last evaluated 2023-12-02.

Conditions:
Anauxetic dysplasia. Identifiers: Orphanet 93347, MedGen C1846796, MONDO:0011773.
Metaphyseal chondrodysplasia, McKusick type (CHH). Also called: Cartilage-hair hypoplasia; Cartilage-Hair Hypoplasia (CHH). Identifiers: Orphanet 175, MedGen C0220748, MONDO:0009595, OMIM 250250.

Submissions (2):

Labcorp Genetics (formerly Invitae), Labcorp
Classification: Pathogenic for Anauxetic dysplasia. Last evaluated: 2023-12-02. Review status: criteria provided, single submitter. Criteria: Invitae Variant Classification Sherloc (09022015). Collection method: clinical testing. Allele origin: germline.
Comment: This variant occurs in the RMRP gene, which encodes an RNA molecule that does not result in a protein product. This variant is not present in population databases (gnomAD no frequency). While this particular variant has not been reported in the literature, it is located in the promoter region between the TATA box and the transcription initiation site, and other insertions and duplications immediately upstream of the coding sequence have been reported in individuals affected with cartilage-hair hypoplasia-anauxetic dysplasia (CHH-AD) spectrum disorders (PMID: 16244706, 11207361, 12107819). While functional studies for this variant have not been reported, experimental analyses using patient derived cells, as well as in vitro transfection studies, have shown that promoter insertions result in silencing of RMRP transcription and reduced expression of the gene product (PMID: 11207361, 16254002). For these reasons, this variant has been classified as Pathogenic.

Women's Health and Genetics/Laboratory Corporation of America, LabCorp
Classification: Likely pathogenic for Metaphyseal chondrodysplasia, McKusick type. Last evaluated: 2022-05-25. Review status: criteria provided, single submitter. Criteria: LabCorp Variant Classification Summary - May 2015. Collection method: clinical testing. Allele origin: germline.
Comment: Variant summary: RMRP n.-19_-3[3] involves the triplication of 17 nucleotides in the promoter region of RMRP, which is located between the TATA box (-33 to -25) and the transcription initiation site. Other insertions, duplications or triplications in the promoter region of RMRP have been classified as pathogenic (internally and in ClinVar). The variant was absent in 127578 control chromosomes (gnomAD). To our knowledge, no occurrence of n.-19_-3[3] in individuals affected with Cartilage-Hair Hypoplasia and no experimental evidence demonstrating its impact on RNA function have been reported. However, several other insertions, duplications or triplications in the promoter region of RMRP have been reported in affected individuals in the literature (e.g. PMIDs: 21956908, 21396580) and have been demonstrated through functional studies to lead to reduced RMRP transcription (e.g. PMIDs: 11207361, 16254002, 17937437). No clinical diagnostic laboratories have submitted clinical-significance assessments for this variant to ClinVar after 2014. Based on the evidence outlined above, the variant was classified as likely pathogenic.

Literature cited by the submitters: PubMed 16244706 (cited by Labcorp Genetics (formerly Invitae), Labcorp); PubMed 11207361 (cited by Labcorp Genetics (formerly Invitae), Labcorp); PubMed 12107819 (cited by Labcorp Genetics (formerly Invitae), Labcorp); PubMed 16254002 (cited by Labcorp Genetics (formerly Invitae), Labcorp).